The following is an entry in ClinVar:

ClinVar aggregate classification (germline): Pathogenic. Review status: criteria provided, multiple submitters, no conflicts (2 of 4 stars). 2 submissions from 2 submitters: Pathogenic (2). Last evaluated 2023-10-04.

Conditions:
Gonadotropin-independent familial sexual precocity. Also called: Familial male-limited precocious puberty; TESTOTOXICOSIS, FAMILIAL. Identifiers: Orphanet 3000, MedGen C0342549, MONDO:0008303, OMIM 176410.
Leydig cell agenesis. Also called: HYPERGONADOTROPIC HYPOGONADISM, MALE, DUE TO LHCGR DEFECT; LEYDIG CELL HYPOPLASIA WITH MALE PSEUDOHERMAPHRODITISM; LEYDIG CELL HYPOPLASIA, COMPLETE; Leydig cell hypoplasia, type 1. Identifiers: MedGen C0266432, MONDO:0009384, OMIM 238320.

Allele frequency attached by ClinVar (database versions not stated): ExAC 0.00001; gnomAD exomes 0.00001.
gnomAD v4.1: 17 of 1,614,118 alleles (0.0011%); highest among the groups gnomAD compares: Non-Finnish European, 0.0014%; no homozygotes.

Submissions (2):

Department of Pathology and Laboratory Medicine, Sinai Health System
Classification: Pathogenic for Gonadotropin-independent familial sexual precocity; Leydig cell agenesis. Last evaluated: 2023-10-04. Review status: criteria provided, single submitter. Criteria: ACMG Guidelines, 2015. Collection method: research. Allele origin: germline.

Labcorp Genetics (formerly Invitae), Labcorp
Classification: Pathogenic. Last evaluated: 2023-08-11. Review status: criteria provided, single submitter. Criteria: Invitae Variant Classification Sherloc (09022015). Collection method: clinical testing. Allele origin: germline.
Comment: ClinVar contains an entry for this variant (Variation ID: 2203074). This sequence change creates a premature translational stop signal (p.Arg479*) in the LHCGR gene. While this is not anticipated to result in nonsense mediated decay, it is expected to disrupt the last 221 amino acid(s) of the LHCGR protein. This variant is present in population databases (rs757225917, gnomAD 0.004%). This premature translational stop signal has been observed in individuals with autosomal recessive LHCGR-related conditions (PMID: 27016457, 33948188). This variant disrupts a region of the LHCGR protein in which other variant(s) (p.Cys545*) have been determined to be pathogenic (PMID: 7581384, 9817592). This suggests that this is a clinically significant region of the protein, and that variants that disrupt it are likely to be disease-causing. For these reasons, this variant has been classified as Pathogenic.

Literature cited by the submitters: PubMed 27016457 (cited by Labcorp Genetics (formerly Invitae), Labcorp); PubMed 33948188 (cited by Labcorp Genetics (formerly Invitae), Labcorp); PubMed 7581384 (cited by Labcorp Genetics (formerly Invitae), Labcorp); PubMed 9817592 (cited by Labcorp Genetics (formerly Invitae), Labcorp).

NM_000233.4(LHCGR):c.1435C>T (p.Arg479Ter)

Genes: STON1-GTF2A1L (STON1-GTF2A1L readthrough; plus strand), LHCGR (luteinizing hormone/choriogonadotropin receptor; minus strand). Cytogenetic location: 2p16.3.
Variant type: single nucleotide variant.
Coding change: c.1435C>T on transcript NM_000233.4 (MANE Select); coding-DNA position 1435, C replaced by T.
Protein change: p.Arg479Ter; replaces arginine 479 with a stop codon.
Molecular consequence: nonsense. On other transcripts: intron variant (1).
Genome position (GRCh38, 1-based): chr2:48,688,362, G>A on the plus strand (C>T on the coding strand, the complement: LHCGR is on the minus strand). VCF-style: chr2-48688362-G-A. GRCh37 (hg19) VCF-style: chr2-48915501-G-A.
Other names: c.3441+16682G>A (NM_001198593.2); short protein forms R479*.
Identifiers: ClinVar variation 2203074 (VCV002203074.4), dbSNP rs757225917, ClinGen allele CA1653029.